The following is an entry in ClinVar:

NM_001190737.2(NFIB):c.912C>T (p.His304=)

Gene: NFIB (nuclear factor I B; minus strand). Cytogenetic location: 9p23.
Variant type: single nucleotide variant.
Coding change: c.912C>T on transcript NM_001190737.2 (MANE Select); coding-DNA position 912, C replaced by T.
Protein change: p.His304=; no amino-acid change (histidine 304 retained).
Molecular consequence: synonymous variant. On other transcripts: non-coding transcript variant (4).
Genome position (GRCh38, 1-based): chr9:14,146,702, G>A on the plus strand (C>T on the coding strand, the complement: NFIB is on the minus strand). VCF-style: chr9-14146702-G-A. GRCh37 (hg19) VCF-style: chr9-14146701-G-A.
Other names: c.990C>T, p.His330= (NM_001190738.2); c.156C>T, p.His52= (NM_001282787.2); c.978C>T, p.His326= (NM_001369458.1, NM_001369459.1, NM_001369462.1 and 1 more transcripts); c.900C>T, p.His300= (NM_001369460.1, NM_001369463.1, NM_001369466.1 and 2 more transcripts); c.912C>T, p.His304= (NM_001369461.1, NM_001369464.1, NM_001369471.1 and 2 more transcripts); c.885C>T, p.His295= (NM_001369465.1, NM_001369467.1, NM_001369476.1); c.768C>T, p.His256= (NM_001369469.1); c.675C>T, p.His225= (NM_001369470.1, NM_001369478.1); and 4 more.
Identifiers: ClinVar variation 4982545 (VCV004982545.1).

ClinVar aggregate classification (germline): Likely benign (1 of 4 stars; one submission).

Conditions:
NFIB-related disorder. Also called: NFIB-related condition.

gnomAD v4.1: 74 of 1,612,726 alleles (0.0046%); highest among the groups gnomAD compares: African/African-American, 0.0067%; no homozygotes.

Submission:

PreventionGenetics, part of Exact Sciences
Classification: Likely benign for NFIB-related condition. Last evaluated: 2026-03-19. Review status: criteria provided, single submitter. Criteria: ACMG Guidelines, 2015. Collection method: clinical testing. Allele origin: germline.
Comment: This variant is classified as likely benign based on ACMG/AMP sequence variant interpretation guidelines (Richards et al. 2015 PMID: 25741868, with internal and published modifications).